The following is an entry in ClinVar:

NM_006166.4(NFYB):c.378C>G (p.Gly126=)

Gene: NFYB (nuclear transcription factor Y subunit beta; minus strand). Cytogenetic location: 12q23.3.
Variant type: single nucleotide variant.
Coding change: c.378C>G on transcript NM_006166.4 (MANE Select); coding-DNA position 378, C replaced by G.
Protein change: p.Gly126=; no amino-acid change (glycine 126 retained).
Molecular consequence: synonymous variant. On other transcripts: non-coding transcript variant (2), intron variant (1).
Genome position (GRCh38, 1-based): chr12:104,123,277, G>C on the plus strand (C>G on the coding strand, the complement: NFYB is on the minus strand). VCF-style: chr12-104123277-G-C. GRCh37 (hg19) VCF-style: chr12-104517055-G-C.
Other names: c.381C>G, p.Gly127= (NM_001414518.1, NM_001414519.1); c.264C>G, p.Gly88= (NM_001414529.1, NM_001414528.1); c.168C>G, p.Gly56= (NM_001414531.1, NM_001414532.1); c.232-1956C>G (NM_001414530.1); c.378C>G, p.Gly126= (NM_001414520.1, NM_001414521.1, NM_001414522.1 and 1 more transcripts); c.372C>G, p.Gly124= (NM_001414523.1, NM_001414524.1, NM_001414525.1 and 1 more transcripts).
Identifiers: ClinVar variation 2643252 (VCV002643252.24), dbSNP rs2499591503, ClinGen allele CA481600578.
Genomic context (GRCh38, chr12:104,123,277, plus strand): 5'-TTTATTTACCTCTCTGAATTTCTGAAGGTATAATTTCAGAGGTTCCACATAACTGTCAAA[G>C]CCTAAAGTAGACATAGCAAAGAGAATATCTTCTCCATTGATTGTTTTCCGTTTCTCTTGA-3'
Protein context (NP_006157.1, residues 116-136): EDILFAMSTL[Gly126=]FDSYVEPLKL

ClinVar aggregate classification (germline): Likely benign (1 of 4 stars; one submission).

Submission:

CeGaT Center for Human Genetics Tuebingen
Classification: Likely benign. Last evaluated: 2022-08-01. Review status: criteria provided, single submitter. Criteria: CeGaT Center For Human Genetics Tuebingen Variant Classification Criteria Version 2. Collection method: clinical testing. Allele origin: germline. Affected: yes. Observed: 1 variant allele.
Comment: NFYB: PM2:Supporting, BP4, BP7